The following is an entry in ClinVar:

NM_144687.4(NLRP12):c.1912G>A (p.Val638Ile)

Gene: NLRP12 (NLR family pyrin domain containing 12; minus strand). Cytogenetic location: 19q13.42.
Variant type: single nucleotide variant.
Coding change: c.1912G>A on transcript NM_144687.4 (MANE Select); coding-DNA position 1912, G replaced by A.
Protein change: p.Val638Ile; replaces valine 638 with isoleucine.
Molecular consequence: missense variant.
Genome position (GRCh38, 1-based): chr19:53,809,747, C>T on the plus strand (G>A on the coding strand, the complement: NLRP12 is on the minus strand). VCF-style: chr19-53809747-C-T. GRCh37 (hg19) VCF-style: chr19-54313001-C-T.
Other names: c.1912G>A, p.Val638Ile (NM_001277126.2, NM_001277129.1); short protein forms V638I.
Identifiers: ClinVar variation 2867958 (VCV002867958.4), dbSNP rs992179891, ClinGen allele CA310068580.

ClinVar aggregate classification (germline): Uncertain significance. Review status: criteria provided, multiple submitters, no conflicts (2 of 4 stars). 2 submissions from 2 submitters: Uncertain significance (2). Last evaluated 2023-06-09.

Conditions:
Familial cold autoinflammatory syndrome 2 (FCAS2). Identifiers: Orphanet 247868, MedGen C2673198, MONDO:0012724, OMIM 611762.

Allele frequency attached by ClinVar (database versions not stated): gnomAD exomes 0.00001.
gnomAD v4.1: 12 of 1,614,146 alleles (0.00074%); highest among the groups gnomAD compares: Non-Finnish European, 0.001%; no homozygotes.

Submissions (2):

Labcorp Genetics (formerly Invitae), Labcorp
Classification: Uncertain significance for Familial cold autoinflammatory syndrome 2. Last evaluated: 2023-06-09. Review status: criteria provided, single submitter. Criteria: Invitae Variant Classification Sherloc (09022015). Collection method: clinical testing. Allele origin: germline.
Comment: In summary, the available evidence is currently insufficient to determine the role of this variant in disease. Therefore, it has been classified as a Variant of Uncertain Significance. An algorithm developed to predict the effect of missense changes on protein structure and function (PolyPhen-2) suggests that this variant is likely to be disruptive. This variant has not been reported in the literature in individuals affected with NLRP12-related conditions. This variant is not present in population databases (gnomAD no frequency). This sequence change replaces valine, which is neutral and non-polar, with isoleucine, which is neutral and non-polar, at codon 638 of the NLRP12 protein (p.Val638Ile).

Blueprint Genetics
Classification: Uncertain significance. Last evaluated: 2022-10-14. Review status: criteria provided, single submitter. Criteria: ACMG Guidelines, 2015. Collection method: clinical testing. Allele origin: germline.